The following is an entry in ClinVar:

NM_000094.4(COL7A1):c.4600G>A (p.Gly1534Arg)

Gene: COL7A1 (collagen type VII alpha 1 chain; minus strand). Cytogenetic location: 3p21.31.
Variant type: single nucleotide variant.
Coding change: c.4600G>A on transcript NM_000094.4 (MANE Select); coding-DNA position 4600, G replaced by A.
Protein change: p.Gly1534Arg; replaces glycine 1534 with arginine.
Molecular consequence: missense variant.
Genome position (GRCh38, 1-based): chr3:48,582,358, C>T on the plus strand (G>A on the coding strand, the complement: COL7A1 is on the minus strand). VCF-style: chr3-48582358-C-T. GRCh37 (hg19) VCF-style: chr3-48619791-C-T.
Other names: short protein forms G1534R.
Identifiers: ClinVar variation 432134 (VCV000432134.2), dbSNP rs1553860378, ClinGen allele CA352687670.

ClinVar aggregate classification (germline): Likely pathogenic (1 of 4 stars; one submission).

Submission:

GeneDx
Classification: Likely pathogenic. Last evaluated: 2016-04-05. Review status: criteria provided, single submitter. Criteria: GeneDx Variant Classification (06012015). Collection method: clinical testing. Allele origin: germline. Affected: yes.
Comment: The G1534R variant has not been published as a pathogenic variant, nor has it been reported as a benign variant to our knowledge. The G1534R variant was not observed in approximately 6500 individuals of European and African American ancestry in the NHLBI Exome Sequencing Project, indicating it is not a common benign variant in these populations. This substitution occurs at a position that is conserved across class. The G1534R variant is a non-conservative amino acid substitution, which is likely to impact secondary protein structure as these residues differ in polarity, charge, size and/or other properties. In silico analysis predicts this variant is probably damaging to the protein structure/function as it occurs at the first Glycine position of the canonical Gly-X-Y repeat in the collagenous domain of the COLVII protein. Glycine substitution variants in this region of the collagen VII protein will destabilize the collagen triple helix resulting in anchoring fibrils that are fragile and result in poor anchoring off the basement membrane to the underlying dermis . A missense variant in a nearby residue (R1538H) has been reported in the Human Gene Mutation Database in association with DEB (Stenson et al., 2014), supporting the functional importance of this region of the protein. Because this variant has not been reported in the literature, no other affected family members were identified in this study and functional studies have not been performed on this variant, ACMG guidelines do not allow us to designate it as a definitive pathogenic variant. However, because it is a Glycine substitution in the canonical Gly-X-Y region and is replaced by an Arginine at this position, a very common type of pathogenic variant in DEB patients, it is almost certainly pathogenic in this individual. Therefore, at this time this variant is designated likely pathogenic.